The following is an entry in ClinVar:

NM_000263.4(NAGLU):c.193T>C (p.Tyr65His)

Genes: NAGLU (N-acetyl-alpha-glucosaminidase; plus strand), LOC130060903 (ATAC-STARR-seq lymphoblastoid silent region 8533; plus strand). Cytogenetic location: 17q21.2.
Variant type: single nucleotide variant.
Coding change: c.193T>C on transcript NM_000263.4 (MANE Select); coding-DNA position 193, T replaced by C.
Protein change: p.Tyr65His; replaces tyrosine 65 with histidine.
Molecular consequence: missense variant.
Genome position (GRCh38, 1-based): chr17:42,536,465, T>C. VCF-style: chr17-42536465-T-C. GRCh37 (hg19) VCF-style: chr17-40688483-T-C.
Other names: short protein forms Y65H.
Identifiers: ClinVar variation 1479339 (VCV001479339.3), dbSNP rs2143076321, ClinGen allele CA399595588.

ClinVar aggregate classification (germline): Uncertain significance (1 of 4 stars; one submission).

Conditions:
Mucopolysaccharidosis, MPS-III-B (MPS3B). Also called: N-ACETYL-ALPHA-D-GLUCOSAMINIDASE DEFICIENCY; NAGLU DEFICIENCY; SANFILIPPO SYNDROME B; MPS III B; MPS IIIB (Sanfilippo Syndrome Type B); MUCOPOLYSACCHARIDOSIS, TYPE IIIB. Identifiers: Orphanet 79270, MedGen C0086648, MONDO:0009656, OMIM 252920.
Charcot-Marie-Tooth disease axonal type 2V. Also called: CHARCOT-MARIE-TOOTH NEUROPATHY, TYPE 2V; CHARCOT-MARIE-TOOTH DISEASE, AXONAL, AUTOSOMAL DOMINANT, TYPE 2V. Identifiers: Orphanet 447964, MedGen C5569050, MONDO:0014665, OMIM 616491.

Allele frequency attached by ClinVar (database versions not stated): gnomAD exomes below 0.00001.

Submission:

Labcorp Genetics (formerly Invitae), Labcorp
Classification: Uncertain significance for Charcot-Marie-Tooth disease axonal type 2V; Mucopolysaccharidosis, MPS-III-B. Last evaluated: 2022-03-19. Review status: criteria provided, single submitter. Criteria: Invitae Variant Classification Sherloc (09022015). Collection method: clinical testing. Allele origin: germline.
Comment: This sequence change replaces tyrosine, which is neutral and polar, with histidine, which is basic and polar, at codon 65 of the NAGLU protein (p.Tyr65His). This variant is not present in population databases (gnomAD no frequency). This variant has not been reported in the literature in individuals affected with NAGLU-related conditions. Algorithms developed to predict the effect of missense changes on protein structure and function are either unavailable or do not agree on the potential impact of this missense change (SIFT: "Deleterious"; PolyPhen-2: "Probably Damaging"; Align-GVGD: "Class C0"). In summary, the available evidence is currently insufficient to determine the role of this variant in disease. Therefore, it has been classified as a Variant of Uncertain Significance.